The following is an entry in ClinVar:

NM_001378204.1(CCDC18):c.3916A>T (p.Ile1306Phe)

Gene: CCDC18 (coiled-coil domain containing 18; plus strand). Cytogenetic location: 1p22.1.
Variant type: single nucleotide variant.
Coding change: c.3916A>T on transcript NM_001378204.1 (MANE Select); coding-DNA position 3916, A replaced by T.
Protein change: p.Ile1306Phe; replaces isoleucine 1306 with phenylalanine.
Molecular consequence: missense variant. On other transcripts: intron variant (1).
Genome position (GRCh38, 1-based): chr1:93,270,377, A>T. VCF-style: chr1-93270377-A-T. GRCh37 (hg19) VCF-style: chr1-93735934-A-T.
Other names: c.3913A>T, p.Ile1305Phe (NM_001306076.1); c.3885+5476A>T (NM_206886.4); short protein forms I1305F, I1306F.
Identifiers: ClinVar variation 3038261 (VCV003038261.2), dbSNP rs41292129, ClinGen allele CA954725.

ClinVar aggregate classification (germline): Benign (0 of 4 stars; one submission).

Conditions:
CCDC18-related disorder. Also called: CCDC18-related condition.

Allele frequency attached by ClinVar (database versions not stated): 1000 Genomes Project 30x 0.01234; 1000 Genomes Project 0.01238; TOPMed 0.01701; gnomAD 0.02043; gnomAD exomes 0.02556; ExAC 0.02759.

Submission:

PreventionGenetics, part of Exact Sciences
Classification: Benign for CCDC18-related condition. Last evaluated: 2019-06-19. Review status: no assertion criteria provided. Collection method: clinical testing. Allele origin: germline.
Comment: This variant is classified as benign based on ACMG/AMP sequence variant interpretation guidelines (Richards et al. 2015 PMID: 25741868, with internal and published modifications).